The following is an entry in ClinVar:

NM_000116.5(TAFAZZIN):c.850C>T (p.Leu284Phe)

Gene: TAFAZZIN (tafazzin, phospholipid-lysophospholipid transacylase; plus strand). Cytogenetic location: Xq28.
Variant type: single nucleotide variant.
Coding change: c.850C>T on transcript NM_000116.5 (MANE Select); coding-DNA position 850, C replaced by T.
Protein change: p.Leu284Phe; replaces leucine 284 with phenylalanine.
Molecular consequence: missense variant. On other transcripts: non-coding transcript variant (1).
Genome position (GRCh38, 1-based): chrX:154,420,975, C>T. VCF-style: chrX-154420975-C-T. GRCh37 (hg19) VCF-style: chrX-153649314-C-T.
Other names: c.862C>T, p.Leu288Phe (NM_001303465.2); c.760C>T, p.Leu254Phe (NM_181311.4); c.808C>T, p.Leu270Phe (NM_181312.4); c.718C>T, p.Leu240Phe (NM_181313.4); short protein forms L284F, L240F, L270F, L254F, L288F.
Identifiers: ClinVar variation 234662 (VCV000234662.5), dbSNP rs782523340, ClinGen allele CA10562452.

ClinVar aggregate classification (germline): Uncertain significance. Review status: criteria provided, multiple submitters, no conflicts (2 of 4 stars). 2 submissions from 2 submitters: Uncertain significance (2). Last evaluated 2024-07-27.

Conditions:
3-Methylglutaconic aciduria type 2 (BTHS). Also called: CARDIOSKELETAL MYOPATHY WITH NEUTROPENIA AND ABNORMAL MITOCHONDRIA; Barth syndrome. Identifiers: Orphanet 111, MedGen C0574083, MONDO:0010543, OMIM 302060.

Allele frequency attached by ClinVar (database versions not stated): ExAC 0.00001; gnomAD exomes 0.00001 and 0.00002; TOPMed 0.00001.
gnomAD v4.1: 12 of 1,211,739 alleles (0.00099%); highest among the groups gnomAD compares: Non-Finnish European, 0.0013%; no homozygotes.

Submissions (2):

Labcorp Genetics (formerly Invitae), Labcorp
Classification: Uncertain significance for 3-Methylglutaconic aciduria type 2. Last evaluated: 2024-07-27. Review status: criteria provided, single submitter. Criteria: Invitae Variant Classification Sherloc (09022015). Collection method: clinical testing. Allele origin: germline.
Comment: This sequence change replaces leucine, which is neutral and non-polar, with phenylalanine, which is neutral and non-polar, at codon 284 of the TAZ protein (p.Leu284Phe). This variant is present in population databases (rs782523340, gnomAD 0.001%). This variant has not been reported in the literature in individuals affected with TAZ-related conditions. An algorithm developed to predict the effect of missense changes on protein structure and function (PolyPhen-2) suggests that this variant is likely to be disruptive. In summary, the available evidence is currently insufficient to determine the role of this variant in disease. Therefore, it has been classified as a Variant of Uncertain Significance.

GeneDx
Classification: Uncertain significance. Last evaluated: 2015-12-23. Review status: criteria provided, single submitter. Criteria: GeneDx Variant Classification (06012015). Collection method: clinical testing. Allele origin: germline. Affected: yes.
Comment: The L284F variant has not been published as a pathogenic variant, nor has it been reported as a benign variant to our knowledge. The L284F variant was not observed in approximately 6500 individuals of European and African American ancestry in the NHLBI Exome Sequencing Project, indicating it is not a common benign variant in these populations. The L284F variant is a conservative amino acid substitution, which is not likely to impact secondary protein structure as these residues share similar properties. This substitution occurs at a position that is conserved across species. In silico analysis predicts this variant is probably damaging to the protein structure/function. Therefore, based on the currently available information, it is unclear whether this variant is a pathogenic variant or a rare benign variant.